The following is an entry in ClinVar:

ClinVar aggregate classification (germline): Uncertain significance (1 of 4 stars; one submission).

Allele frequency attached by ClinVar (database versions not stated): gnomAD exomes below 0.00001.
gnomAD v4.1: 2 of 1,612,554 alleles (0.00012%); highest among the groups gnomAD compares: Non-Finnish European, 0.00017%; no homozygotes.

Submission:

Labcorp Genetics (formerly Invitae), Labcorp
Classification: Uncertain significance. Last evaluated: 2022-07-05. Review status: criteria provided, single submitter. Criteria: Invitae Variant Classification Sherloc (09022015). Collection method: clinical testing. Allele origin: germline.
Comment: This variant has not been reported in the literature in individuals affected with TRAF3IP1-related conditions. In summary, the available evidence is currently insufficient to determine the role of this variant in disease. Therefore, it has been classified as a Variant of Uncertain Significance. Algorithms developed to predict the effect of missense changes on protein structure and function are either unavailable or do not agree on the potential impact of this missense change (SIFT: "Tolerated"; PolyPhen-2: "Probably Damaging"; Align-GVGD: "Class C0"). This variant is not present in population databases (gnomAD no frequency). This sequence change replaces glutamic acid, which is acidic and polar, with aspartic acid, which is acidic and polar, at codon 624 of the TRAF3IP1 protein (p.Glu624Asp).

NM_015650.4(TRAF3IP1):c.1872G>C (p.Glu624Asp)

Gene: TRAF3IP1 (TRAF3 interacting protein 1; plus strand). Cytogenetic location: 2q37.3.
Variant type: single nucleotide variant.
Coding change: c.1872G>C on transcript NM_015650.4 (MANE Select); coding-DNA position 1872, G replaced by C.
Protein change: p.Glu624Asp; replaces glutamic acid 624 with aspartic acid.
Molecular consequence: missense variant.
Genome position (GRCh38, 1-based): chr2:238,397,641, G>C. VCF-style: chr2-238397641-G-C. GRCh37 (hg19) VCF-style: chr2-239306282-G-C.
Other names: c.1674G>C, p.Glu558Asp (NM_001139490.1); short protein forms E558D, E624D.
Identifiers: ClinVar variation 1903315 (VCV001903315.5), dbSNP rs1215089908, ClinGen allele CA351246693.